The following is an entry in ClinVar:

ClinVar aggregate classification (germline): Uncertain significance (1 of 4 stars; one submission).

gnomAD v4.1: 14 of 1,614,174 alleles (0.00087%); highest among the groups gnomAD compares: Admixed American, 0.0017%; no homozygotes.

Submission:

Labcorp Genetics (formerly Invitae), Labcorp
Classification: Uncertain significance. Last evaluated: 2024-03-24. Review status: criteria provided, single submitter. Criteria: Invitae Variant Classification Sherloc (09022015). Collection method: clinical testing. Allele origin: germline.
Comment: This sequence change replaces serine, which is neutral and polar, with leucine, which is neutral and non-polar, at codon 34 of the PCNT protein (p.Ser34Leu). This variant is present in population databases (rs530493001, gnomAD 0.003%). This variant has not been reported in the literature in individuals affected with PCNT-related conditions. An algorithm developed to predict the effect of missense changes on protein structure and function (PolyPhen-2) suggests that this variant is likely to be disruptive. In summary, the available evidence is currently insufficient to determine the role of this variant in disease. Therefore, it has been classified as a Variant of Uncertain Significance.

NM_006031.6(PCNT):c.101C>T (p.Ser34Leu)

Genes: PCNT (pericentrin; plus strand), LOC128092249 (uncharacterized LOC128092249; plus strand). Cytogenetic location: 21q22.3.
Variant type: single nucleotide variant.
Coding change: c.101C>T on transcript NM_006031.6 (MANE Select); coding-DNA position 101, C replaced by T.
Protein change: p.Ser34Leu; replaces serine 34 with leucine.
Molecular consequence: missense variant. On other transcripts: 5 prime UTR variant (1).
Genome position (GRCh38, 1-based): chr21:46,326,423, C>T. VCF-style: chr21-46326423-C-T. GRCh37 (hg19) VCF-style: chr21-47746337-C-T.
Other names: c.136C>T, p.Arg46Trp (NM_001414902.1); c.-254C>T (NM_001315529.2); short protein forms R46W, S34L.
Identifiers: ClinVar variation 3697048 (VCV003697048.2).